The following is an entry in ClinVar:

NM_006096.4(NDRG1):c.563C>T (p.Pro188Leu)

Gene: NDRG1 (N-myc downstream regulated 1; minus strand). Cytogenetic location: 8q24.22.
Variant type: single nucleotide variant.
Coding change: c.563C>T on transcript NM_006096.4 (MANE Select); coding-DNA position 563, C replaced by T.
Protein change: p.Pro188Leu; replaces proline 188 with leucine.
Molecular consequence: missense variant.
Genome position (GRCh38, 1-based): chr8:133,254,570, G>A on the plus strand (C>T on the coding strand, the complement: NDRG1 is on the minus strand). VCF-style: chr8-133254570-G-A. GRCh37 (hg19) VCF-style: chr8-134266813-G-A.
Other names: c.563C>T, p.Pro188Leu (NM_001135242.2, NM_001374845.1, NM_001374846.1); c.365C>T, p.Pro122Leu (NM_001258432.2, NM_001374847.1); c.320C>T, p.Pro107Leu (NM_001258433.2); c.614C>T, p.Pro205Leu (NM_001374844.1); short protein forms P188L, P107L, P122L, P205L.
Identifiers: ClinVar variation 568538 (VCV000568538.11), dbSNP rs779194865, ClinGen allele CA4886688.
Genomic context (GRCh38, chr8:133,254,570, plus strand): 5'-CAACAGATTTGCCAGACCACGCAACTCACCTTCCCAAAAAGGTGGGACACCACCATGTCC[G>A]GCAGAGCTTGGGTCCATCCTGAGATCTGGAAAGGAGTAAAGTGGGTGGATGAGAAACCAG-3'
Protein context (NP_006087.2, residues 178-198): SKISGWTQAL[Pro188Leu]DMVVSHLFGK

ClinVar aggregate classification (germline): Uncertain significance. Review status: criteria provided, multiple submitters, no conflicts (2 of 4 stars). 3 submissions from 3 submitters: Uncertain significance (2). 1 of the submissions does not count toward it. Last evaluated 2025-02-01.

Conditions:
Inborn genetic diseases. Identifiers: MedGen C0950123, MeSH D030342.
Charcot-Marie-Tooth disease type 4. Also called: Charcot-Marie-Tooth disease, type IV; Charcot-Marie-Tooth, Type 4. Identifiers: Orphanet 64749, MedGen C4082197, MONDO:0018995.
Charcot-Marie-Tooth disease type 4D. Also called: CHARCOT-MARIE-TOOTH DISEASE, DEMYELINATING, AUTOSOMAL RECESSIVE, TYPE 4D; NEUROPATHY, HEREDITARY MOTOR AND SENSORY, LOM TYPE; CHARCOT-MARIE-TOOTH DISEASE, DEMYELINATING, TYPE 4D; Charcot-Marie-Tooth Neuropathy Type 4D. Identifiers: Orphanet 99950, MedGen C1832334, MONDO:0011085, OMIM 601455.

Allele frequency attached by ClinVar (database versions not stated): gnomAD 0.00001; gnomAD exomes 0.00001 and 0.00002; TOPMed 0.00001; ExAC 0.00003.

Submissions (3):

Ambry Genetics
Classification: Uncertain significance for Inborn genetic diseases. Last evaluated: 2025-02-01. Review status: criteria provided, single submitter. Criteria: Ambry Variant Classification Scheme 2023. Collection method: clinical testing. Allele origin: germline.

Labcorp Genetics (formerly Invitae), Labcorp
Classification: Uncertain significance for Charcot-Marie-Tooth disease type 4. Last evaluated: 2023-06-30. Review status: criteria provided, single submitter. Criteria: Invitae Variant Classification Sherloc (09022015). Collection method: clinical testing. Allele origin: germline.
Comment: This sequence change replaces proline, which is neutral and non-polar, with leucine, which is neutral and non-polar, at codon 188 of the NDRG1 protein (p.Pro188Leu). In summary, the available evidence is currently insufficient to determine the role of this variant in disease. Therefore, it has been classified as a Variant of Uncertain Significance. Advanced modeling of protein sequence and biophysical properties (such as structural, functional, and spatial information, amino acid conservation, physicochemical variation, residue mobility, and thermodynamic stability) performed at Invitae indicates that this missense variant is not expected to disrupt NDRG1 protein function. ClinVar contains an entry for this variant (Variation ID: 568538). This variant has not been reported in the literature in individuals affected with NDRG1-related conditions. This variant is present in population databases (rs779194865, gnomAD 0.003%).

Natera, Inc.
Classification: Uncertain significance for Charcot-Marie-Tooth disease type 4D. Last evaluated: 2020-10-29. Review status: no assertion criteria provided. Collection method: clinical testing. Allele origin: germline. Not counted in ClinVar's aggregate classification.